The following is an entry in ClinVar:

ClinVar aggregate classification (germline): Uncertain significance (1 of 4 stars; one submission).

Conditions:
Cardiovascular phenotype. Identifiers: MedGen CN230736.

Allele frequency attached by ClinVar (database versions not stated): gnomAD exomes below 0.00001.
gnomAD v4.1: 1 of 1,211,479 alleles (0.000083%); highest among the groups gnomAD compares: South Asian, 0.0018%; no homozygotes.

Submission:

Ambry Genetics
Classification: Uncertain significance for Cardiovascular phenotype. Last evaluated: 2021-04-09. Review status: criteria provided, single submitter. Criteria: Ambry Variant Classification Scheme 2023. Collection method: clinical testing. Allele origin: germline.
Comment: The p.G1935D variant (also known as c.5804G>A), located in coding exon 41 of the DMD gene, results from a G to A substitution at nucleotide position 5804. The glycine at codon 1935 is replaced by aspartic acid, an amino acid with similar properties. Based on data from gnomAD, the A allele has an overall frequency of 0.0005% (1/182524) total alleles studied, with no hemizygotes observed. The highest observed frequency was 0.005% (1/18990) of South Asian alleles. This amino acid position is not well conserved in available vertebrate species. In addition, this alteration is predicted to be tolerated by in silico analysis. Since supporting evidence is limited at this time, the clinical significance of this alteration remains unclear.

NM_004006.3(DMD):c.5804G>A (p.Gly1935Asp)

Gene: DMD (dystrophin; minus strand). Cytogenetic location: Xp21.1.
Variant type: single nucleotide variant.
Coding change: c.5804G>A on transcript NM_004006.3 (MANE Select); coding-DNA position 5804, G replaced by A.
Protein change: p.Gly1935Asp; replaces glycine 1935 with aspartic acid.
Molecular consequence: missense variant.
Genome position (GRCh38, 1-based): chrX:32,342,218, C>T on the plus strand (G>A on the coding strand, the complement: DMD is on the minus strand). VCF-style: chrX-32342218-C-T. GRCh37 (hg19) VCF-style: chrX-32360335-C-T.
Other names: c.5780G>A, p.Gly1927Asp (NM_000109.4); c.5792G>A, p.Gly1931Asp (NM_004009.3); c.5435G>A, p.Gly1812Asp (NM_004010.3); c.1781G>A, p.Gly594Asp (NM_004011.4); c.1772G>A, p.Gly591Asp (NM_004012.4); short protein forms G591D, G1935D, G594D, G1927D, G1931D, G1812D.
Identifiers: ClinVar variation 1749804 (VCV001749804.2), dbSNP rs1369962498, ClinGen allele CA412665119.